The following is an entry in ClinVar:

NM_207361.6(FREM2):c.1188del (p.Gln396fs)

Gene: FREM2 (FRAS1 related extracellular matrix 2; plus strand). Cytogenetic location: 13q13.3.
Variant type: Deletion.
Coding change: c.1188del on transcript NM_207361.6 (MANE Select); coding-DNA position 1188, one base deleted (G; older notation c.1188delG).
Protein change: p.Gln396fs; shifts the reading frame from glutamine 396.
Molecular consequence: frameshift variant.
Genome position (GRCh38, 1-based): chr13:38,688,532, G deleted. VCF-style (leftmost placement, unchanged base first): chr13-38688531-AG-A. GRCh37 (hg19) VCF-style: chr13-39262668-AG-A.
Other names: c.1188delG (NM_207361.6); short protein forms Q396fs.
Identifiers: ClinVar variation 3902413 (VCV003902413.1).

ClinVar aggregate classification (germline): Pathogenic (1 of 4 stars; one submission).

Conditions:
Fraser syndrome 1 (FRASRS1). Also called: CRYPTOPHTHALMOS WITH OTHER MALFORMATIONS. Identifiers: Orphanet 2052, MedGen C4551480, MONDO:0054737, OMIM 219000.

Submission:

Women's Health and Genetics/Laboratory Corporation of America, LabCorp
Classification: Pathogenic for Fraser syndrome 1. Last evaluated: 2025-05-08. Review status: criteria provided, single submitter. Criteria: LabCorp Variant Classification Summary - May 2015. Collection method: clinical testing. Allele origin: germline.
Comment: Variant summary: FREM2 c.1188delG (p.Gln396HisfsX19) results in a premature termination codon, predicted to cause a truncation of the encoded protein or absence of the protein due to nonsense mediated decay, which are commonly known mechanisms for disease. The variant allele was found at a frequency of 4e-06 in 251094 control chromosomes. To our knowledge, no occurrence of c.1188delG in individuals affected with Cryptophthalmos Syndrome and no experimental evidence demonstrating its impact on protein function have been reported. No submitters have cited clinical-significance assessments for this variant to ClinVar. Based on the evidence outlined above, the variant was classified as pathogenic.